The following is an entry in ClinVar:

NM_000278.5(PAX2):c.602G>A (p.Arg201Lys)

Gene: PAX2 (paired box 2; plus strand). Cytogenetic location: 10q24.31.
Variant type: single nucleotide variant.
Coding change: c.602G>A on transcript NM_000278.5 (MANE Select); coding-DNA position 602, G replaced by A.
Protein change: p.Arg201Lys; replaces arginine 201 with lysine.
Molecular consequence: missense variant.
Genome position (GRCh38, 1-based): chr10:100,781,351, G>A. VCF-style: chr10-100781351-G-A. GRCh37 (hg19) VCF-style: chr10-102541108-G-A.
Other names: c.695G>A, p.Arg232Lys (NM_001304569.2); c.602G>A, p.Arg201Lys (NM_003987.5, NM_003988.5, NM_003989.5 and 1 more transcripts); short protein forms R201K, R232K.
Identifiers: ClinVar variation 3031030 (VCV003031030.2), dbSNP rs763730701, ClinGen allele CA5650769.
Genomic context (GRCh38, chr10:100,781,351, plus strand): 5'-CAGTGGGATCCTACTCCATCAATGGGATCCTGGGGATTCCTCGCTCCAATGGTGAGAAGA[G>A]GAAACGTGATGAAGGTAGGGAGGAGGGAAGAGGTGTGGCTTCCCCTTCACATGCTTTGTC-3'
Protein context (NP_000269.3, residues 191-211): LGIPRSNGEK[Arg201Lys]KRDEDVSEGS

ClinVar aggregate classification (germline): Uncertain significance (0 of 4 stars; one submission).

Conditions:
PAX2-Related Disorder. Also called: PAX2-related disorders. Identifiers: MedGen CN381309.

Allele frequency attached by ClinVar (database versions not stated): gnomAD exomes 0.00001; ExAC 0.00002.

Submission:

PreventionGenetics, part of Exact Sciences
Classification: Uncertain significance for PAX2-related condition. Last evaluated: 2023-12-20. Review status: no assertion criteria provided. Collection method: clinical testing. Allele origin: germline.
Comment: The PAX2 c.602G>A variant is predicted to result in the amino acid substitution p.Arg201Lys. To our knowledge, this variant has not been reported in the literature. This variant is reported in 0.016% of alleles in individuals of South Asian descent in gnomAD. At this time, the clinical significance of this variant is uncertain due to the absence of conclusive functional and genetic evidence.